The following is an entry in ClinVar:

NM_000528.4(MAN2B1):c.896dup (p.Ala300fs)

Gene: MAN2B1 (mannosidase alpha class 2B member 1; minus strand). Cytogenetic location: 19p13.13.
Variant type: Duplication.
Coding change: c.896dup on transcript NM_000528.4 (MANE Select); coding-DNA position 896, one base duplicated (T; older notation c.896dupT).
Protein change: p.Ala300fs; shifts the reading frame from alanine 300.
Molecular consequence: frameshift variant.
Genome position (GRCh38, 1-based): chr19:12,663,330, A duplicated on the plus strand (T on the coding strand, the reverse complement: MAN2B1 is on the minus strand). VCF-style (leftmost placement, unchanged base first): chr19-12663329-C-CA. GRCh37 (hg19) VCF-style: chr19-12774143-C-CA.
Other names: c.896dupT (NM_000528.3); c.896dup, p.Ala300fs (NM_001173498.2); short protein forms A300fs.
Identifiers: ClinVar variation 952119 (VCV000952119.10), dbSNP rs2024151949, ClinGen allele CA1139666297.
Genomic context (GRCh38, chr19:12,663,329, plus strand): 5'-CATTGTATTGTATATACCGGACTCGAAGGTTCTGGACACCAGGGTTACCTGGGCAGTGGC[C>CA]ACATTTAGGAAGTAATCGACCAGCTCCTTGGCGTTGTACTCGGGGCTGCGAGGGTCCTCC-3'

ClinVar aggregate classification (germline): Pathogenic/Likely pathogenic. Review status: criteria provided, multiple submitters, no conflicts (2 of 4 stars). 3 submissions from 3 submitters: Pathogenic (2); Likely pathogenic (1). Last evaluated 2025-03-10.

Conditions:
Deficiency of alpha-mannosidase (MANSA). Also called: LYSOSOMAL ALPHA-D-MANNOSIDASE DEFICIENCY; Alpha-Mannosidosis; Mannosidosis, alpha-, types I and II. Identifiers: Orphanet 61, MedGen C0024748, MONDO:0009561, OMIM 248500.

Allele frequency attached by ClinVar (database versions not stated): gnomAD exomes below 0.00001.

Submissions (3):

Natera, Inc.
Classification: Likely pathogenic for Alpha-mannosidosis. Last evaluated: 2025-03-10. Review status: criteria provided, single submitter. Criteria: Natera Variant Classification Schema (03/2026). Collection method: clinical testing. Allele origin: germline.
Comment: The c.896dupT variant in MAN2B1 is a frameshift variant predicted to shift the reading frame beginning at codon 300 and leads to a stop codon 24 codons downstream. This variant is expected to result in nonsense mediated decay, truncation, or a dysfunctional protein product. This variant is rare in the general population with a frequency below the threshold expected for the associated phenotype(s). Given the available evidence, this variant is classified as Likely Pathogenic.

Genome-Nilou Lab
Classification: Pathogenic for Deficiency of alpha-mannosidase. Last evaluated: 2021-09-05. Review status: criteria provided, single submitter. Criteria: ACMG Guidelines, 2015. Collection method: clinical testing. Allele origin: germline. Affected: no.

Labcorp Genetics (formerly Invitae), Labcorp
Classification: Pathogenic for Deficiency of alpha-mannosidase. Last evaluated: 2021-03-13. Review status: criteria provided, single submitter. Criteria: Invitae Variant Classification Sherloc (09022015). Collection method: clinical testing. Allele origin: germline.
Comment: This sequence change creates a premature translational stop signal (p.Ala300Glyfs*24) in the MAN2B1 gene. It is expected to result in an absent or disrupted protein product. Loss-of-function variants in MAN2B1 are known to be pathogenic (PMID: 9915946, 22161967). This variant is not present in population databases (ExAC no frequency). For these reasons, this variant has been classified as Pathogenic. This variant has not been reported in the literature in individuals with MAN2B1-related conditions. ClinVar contains an entry for this variant (Variation ID: 952119).

Literature cited by the submitters: PubMed 9915946 (cited by Labcorp Genetics (formerly Invitae), Labcorp); PubMed 22161967 (cited by Labcorp Genetics (formerly Invitae), Labcorp).